The following is an entry in ClinVar:

NM_007294.4(BRCA1):c.4942A>T (p.Lys1648Ter)

Gene: BRCA1 (BRCA1 DNA repair associated; minus strand). Cytogenetic location: 17q21.31.
Variant type: single nucleotide variant.
Coding change: c.4942A>T on transcript NM_007294.4 (MANE Select); coding-DNA position 4942, A replaced by T.
Protein change: p.Lys1648Ter; replaces lysine 1648 with a stop codon.
Molecular consequence: nonsense. On other transcripts: non-coding transcript variant (1).
Genome position (GRCh38, 1-based): chr17:43,070,972, T>A on the plus strand (A>T on the coding strand, the complement: BRCA1 is on the minus strand). VCF-style: chr17-43070972-T-A. GRCh37 (hg19) VCF-style: chr17-41222989-T-A.
Other names: c.1699A>T, p.Lys567Ter (NM_001407970.1, NM_001407971.1); c.1696A>T, p.Lys566Ter (NM_001407972.1); c.1633A>T, p.Lys545Ter (NM_001407973.1, NM_001407974.1, NM_001407975.1 and 3 more transcripts); c.1630A>T, p.Lys544Ter (NM_001407979.1, NM_001407992.1, NM_001407993.1 and 13 more transcripts); c.1627A>T, p.Lys543Ter (NM_001408392.1, NM_001408396.1, NM_001408397.1 and 8 more transcripts); c.5008A>T, p.Lys1670Ter (NM_001407581.1, NM_001407582.1); c.5005A>T, p.Lys1669Ter (NM_001407583.1, NM_001407585.1, NM_001407587.1 and 1 more transcripts); c.5002A>T, p.Lys1668Ter (NM_001407590.1, NM_001407591.1); and 70 more; short protein forms K1648*, K1669*, K1601*, K544*, K1479*, K1519*, K1520*, K1558*.
Identifiers: ClinVar variation 650624 (VCV000650624.15), dbSNP rs747694453, ClinGen allele CA10591640.

ClinVar aggregate classification (germline): Pathogenic. Review status: criteria provided, multiple submitters, no conflicts (2 of 4 stars). 3 submissions from 3 submitters: Pathogenic (2). 1 of the submissions does not count toward it. Last evaluated 2020-01-23.

Conditions:
Hereditary breast ovarian cancer syndrome. Also called: Hereditary breast and ovarian cancer syndrome (HBOC); Hereditary breast and ovarian cancer; BRCA1- and BRCA2-Associated Hereditary Breast and Ovarian Cancer; Breast and ovarian cancer; Hereditary breast and ovarian cancer syndrome; Hereditary breast and/or ovarian cancer syndrome. Identifiers: Orphanet 145, MedGen C0677776, MeSH D061325, MONDO:0003582. Disease mechanism: loss of function.
Breast-ovarian cancer, familial, susceptibility to, 1 (BROVCA1). Also called: OVARIAN CANCER, SUSCEPTIBILITY TO; BRCA1 Hereditary Breast and Ovarian Cancer. Identifiers: Orphanet 145, MedGen C2676676, MONDO:0011450, OMIM 604370. Disease mechanism: loss of function.
Hereditary cancer-predisposing syndrome. Also called: Hereditary neoplastic syndrome; Tumor predisposition; Hereditary Cancer Syndrome; Neoplastic Syndromes, Hereditary. Identifiers: Orphanet 140162, MedGen C0027672, MeSH D009386, MONDO:0015356.

Submissions (4):

Labcorp Genetics (formerly Invitae), Labcorp
Classification: Pathogenic for Hereditary breast ovarian cancer syndrome. Last evaluated: 2020-01-23. Review status: criteria provided, single submitter. Criteria: Invitae Variant Classification Sherloc (09022015). Collection method: clinical testing. Allele origin: germline.
Comment: This sequence change creates a premature translational stop signal (p.Lys1648*) in the BRCA1 gene. It is expected to result in an absent or disrupted protein product. This variant is not present in population databases (ExAC no frequency). This variant has been observed in individual(s) with breast cancer (PMID: 23289006). ClinVar contains an entry for this variant (Variation ID: 650624). This variant has been reported to affect BRCA1 protein function (PMID: 30209399). Loss-of-function variants in BRCA1 are known to be pathogenic (PMID: 20104584). For these reasons, this variant has been classified as Pathogenic.

Ambry Genetics
Classification: Pathogenic for Hereditary cancer-predisposing syndrome. Last evaluated: 2016-07-29. Review status: criteria provided, single submitter. Criteria: Ambry Variant Classification Scheme 2023. Collection method: clinical testing. Allele origin: germline.
Comment: The p.K1648* pathogenic mutation (also known as c.4942A>T), located in coding exon 14 of the BRCA1 gene, results from an A to T substitution at nucleotide position 4942. This changes the amino acid from a lysine to a stop codon within coding exon 14. In addition to the clinical data presented in the literature, this alteration is expected to result in loss of function by premature protein truncation or nonsense-mediated mRNA decay. As such, this alteration is interpreted as a disease-causing mutation.

BRCAlab, Lund University
Classification: Pathogenic for Breast-ovarian cancer, familial, susceptibility to, 1. Last evaluated: 2020-03-02. Review status: no assertion criteria provided. Collection method: clinical testing. Allele origin: germline. Affected: yes. Not counted in ClinVar's aggregate classification.

Brotman Baty Institute, University of Washington
No classification provided (evidence only). Condition: Breast-ovarian cancer, familial 1. Review status: no classification provided. Collection method: in vitro. Allele origin: not applicable. Functional consequence: functionally_abnormal. Not counted in ClinVar's aggregate classification.
ClinVar note: "not provided" was previously submitted as the classification for the variant. However, the classification appeared to be based only on an observation of functional data so it was converted to no classification on 2025-07-30.

Literature cited by the submitters: PubMed 23289006 (cited by Labcorp Genetics (formerly Invitae), Labcorp and Ambry Genetics); PubMed 30209399 (cited by Labcorp Genetics (formerly Invitae), Labcorp); PubMed 20104584 (cited by Labcorp Genetics (formerly Invitae), Labcorp).